The following is an entry in ClinVar:

NC_000022.10:g.(?_33700195)_(33780310_?)del

Gene: LARGE1 (LARGE xylosyl- and glucuronyltransferase 1; minus strand). Cytogenetic location: 22q12.3.
Variant type: Deletion.
Identifiers: ClinVar variation 3247691 (VCV003247691.1).

ClinVar aggregate classification (germline): Pathogenic (1 of 4 stars; one submission).

Conditions:
Muscular dystrophy-dystroglycanopathy type B6 (MDDGB6). Also called: MUSCULAR DYSTROPHY-DYSTROGLYCANOPATHY (CONGENITAL WITH IMPAIRED INTELLECTUAL DEVELOPMENT), TYPE B, 6; MUSCULAR DYSTROPHY, CONGENITAL, LARGE-RELATED; MUSCULAR DYSTROPHY, CONGENITAL, TYPE 1D. Identifiers: MedGen C1837229, MONDO:0012138, OMIM 608840.

Submission:

Labcorp Genetics (formerly Invitae), Labcorp
Classification: Pathogenic for Muscular dystrophy-dystroglycanopathy type B6. Last evaluated: 2023-11-24. Review status: criteria provided, single submitter. Criteria: Invitae Variant Classification Sherloc (09022015). Collection method: clinical testing. Allele origin: unknown.
Comment: This variant is a gross deletion of the genomic region encompassing exon(s) 9-13 of the LARGE1 gene. This deletion is out-of-frame, and is expected to create a premature termination codon and result in an absent or disrupted protein product. Loss-of-function variants in LARGE1 are known to be pathogenic (PMID: 12966029, 17878207). This variant has not been reported in the literature in individuals affected with LARGE1-related conditions. For these reasons, this variant has been classified as Pathogenic.

Literature cited by the submitters: PubMed 12966029; PubMed 17878207.